The following is an entry in ClinVar:

NM_002295.6(RPSA):c.865G>A (p.Gly289Arg)

Gene: RPSA (ribosomal protein SA; plus strand). Cytogenetic location: 3p22.1.
Variant type: single nucleotide variant.
Coding change: c.865G>A on transcript NM_002295.6 (MANE Select); coding-DNA position 865, G replaced by A.
Protein change: p.Gly289Arg; replaces glycine 289 with arginine.
Molecular consequence: missense variant.
Genome position (GRCh38, 1-based): chr3:39,412,345, G>A. VCF-style: chr3-39412345-G-A. GRCh37 (hg19) VCF-style: chr3-39453836-G-A.
Other names: c.880G>A, p.Gly294Arg (NM_001304288.2); short protein forms G289R, G294R.
Identifiers: ClinVar variation 3646871 (VCV003646871.2).

ClinVar aggregate classification (germline): Uncertain significance (1 of 4 stars; one submission).

Submission:

Labcorp Genetics (formerly Invitae), Labcorp
Classification: Uncertain significance. Last evaluated: 2024-03-19. Review status: criteria provided, single submitter. Criteria: Invitae Variant Classification Sherloc (09022015). Collection method: clinical testing. Allele origin: germline.
Comment: This sequence change replaces glycine, which is neutral and non-polar, with arginine, which is basic and polar, at codon 289 of the RPSA protein (p.Gly289Arg). This variant is not present in population databases (gnomAD no frequency). This variant has not been reported in the literature in individuals affected with RPSA-related conditions. An algorithm developed to predict the effect of missense changes on protein structure and function (PolyPhen-2) suggests that this variant is likely to be tolerated. In summary, the available evidence is currently insufficient to determine the role of this variant in disease. Therefore, it has been classified as a Variant of Uncertain Significance.